The following is an entry in ClinVar:

NM_001917.5(DAO):c.45C>T (p.Thr15=)

Gene: DAO (D-amino acid oxidase; plus strand). Cytogenetic location: 12q24.11.
Variant type: single nucleotide variant.
Coding change: c.45C>T on transcript NM_001917.5 (MANE Select); coding-DNA position 45, C replaced by T.
Protein change: p.Thr15=; no amino-acid change (threonine 15 retained).
Molecular consequence: synonymous variant.
Genome position (GRCh38, 1-based): chr12:108,885,051, C>T. VCF-style: chr12-108885051-C-T. GRCh37 (hg19) VCF-style: chr12-109278827-C-T.
Identifiers: ClinVar variation 721844 (VCV000721844.6), dbSNP rs141263834, ClinGen allele CA6770943.

ClinVar aggregate classification (germline): Likely benign. Review status: criteria provided, single submitter (1 of 4 stars). 2 submissions from 2 submitters: Likely benign (1). 1 of the submissions does not count toward it. Last evaluated 2019-12-31.

Conditions:
DAO-related disorder. Also called: DAO-related condition.

Allele frequency attached by ClinVar (database versions not stated): gnomAD exomes 0.00021; ESP Exome Variant Server 0.00069; ExAC 0.00023; TOPMed 0.00093; 1000 Genomes Project 0.00100; gnomAD 0.00091 and 0.00092; 1000 Genomes Project 30x 0.00109.
gnomAD v4.1: 221 of 1,614,158 alleles (0.014%); highest among the groups gnomAD compares: African/African-American, 0.25%; 2 homozygotes.

Submissions (2):

Labcorp Genetics (formerly Invitae), Labcorp
Classification: Likely benign. Last evaluated: 2019-12-31. Review status: criteria provided, single submitter. Criteria: Invitae Variant Classification Sherloc (09022015). Collection method: clinical testing. Allele origin: germline.

PreventionGenetics, part of Exact Sciences
Classification: Likely benign for DAO-related condition. Last evaluated: 2023-02-08. Review status: no assertion criteria provided. Collection method: clinical testing. Allele origin: germline. Not counted in ClinVar's aggregate classification.
Comment: This variant is classified as likely benign based on ACMG/AMP sequence variant interpretation guidelines (Richards et al. 2015 PMID: 25741868, with internal and published modifications).